The following is an entry in ClinVar:

NM_000528.4(MAN2B1):c.2865G>C (p.Thr955=)

Gene: MAN2B1 (mannosidase alpha class 2B member 1; minus strand). Cytogenetic location: 19p13.13.
Variant type: single nucleotide variant.
Coding change: c.2865G>C on transcript NM_000528.4 (MANE Select); coding-DNA position 2865, G replaced by C.
Protein change: p.Thr955=; no amino-acid change (threonine 955 retained).
Molecular consequence: synonymous variant.
Genome position (GRCh38, 1-based): chr19:12,647,291, C>G on the plus strand (G>C on the coding strand, the complement: MAN2B1 is on the minus strand). VCF-style: chr19-12647291-C-G. GRCh37 (hg19) VCF-style: chr19-12758105-C-G.
Other names: c.2862G>C, p.Thr954= (NM_001173498.2).
Identifiers: ClinVar variation 93215 (VCV000093215.60), dbSNP rs148108322, ClinGen allele CA221085.

ClinVar aggregate classification (germline): Conflicting classifications of pathogenicity. Review status: criteria provided, conflicting classifications (1 of 4 stars). 12 submissions from 12 submitters: Uncertain significance (1); Benign (4); Likely benign (2). 5 of the submissions do not count toward it. Last evaluated 2026-06-01.

Conditions:
Deficiency of alpha-mannosidase (MANSA). Also called: LYSOSOMAL ALPHA-D-MANNOSIDASE DEFICIENCY; Alpha-Mannosidosis; Mannosidosis, alpha-, types I and II. Identifiers: Orphanet 61, MedGen C0024748, MONDO:0009561, OMIM 248500.

Allele frequency attached by ClinVar (database versions not stated): gnomAD 0.00175; 1000 Genomes Project 30x 0.00203; 1000 Genomes Project 0.00240; TOPMed 0.00260; ESP Exome Variant Server 0.00261.

Submissions (12):

CeGaT Center for Human Genetics Tuebingen
Classification: Likely benign. Last evaluated: 2026-06-01. Review status: criteria provided, single submitter. Criteria: CeGaT Center For Human Genetics Tuebingen Variant Classification Criteria Version 2. Collection method: clinical testing. Allele origin: germline. Affected: yes. Observed: 11 variant alleles.
Comment: MAN2B1: BP4, BP7, BS2

Labcorp Genetics (formerly Invitae), Labcorp
Classification: Benign for Deficiency of alpha-mannosidase. Last evaluated: 2026-02-01. Review status: criteria provided, single submitter. Criteria: Invitae Variant Classification Sherloc (09022015). Collection method: clinical testing. Allele origin: germline.

Blueprint Genetics
Classification: Likely benign. Last evaluated: 2024-11-25. Review status: criteria provided, single submitter. Criteria: ACMG Guidelines, 2015. Collection method: clinical testing. Allele origin: germline.

Women's Health and Genetics/Laboratory Corporation of America, LabCorp
Classification: Benign. Last evaluated: 2021-12-10. Review status: criteria provided, single submitter. Criteria: LabCorp Variant Classification Summary - May 2015. Collection method: clinical testing. Allele origin: germline.

Genome-Nilou Lab
Classification: Benign for Deficiency of alpha-mannosidase. Last evaluated: 2021-05-18. Review status: criteria provided, single submitter. Criteria: ACMG Guidelines, 2015. Collection method: clinical testing. Allele origin: germline. Affected: no.

Illumina Laboratory Services, Illumina
Classification: Benign for Deficiency of alpha-mannosidase. Last evaluated: 2017-04-27. Review status: criteria provided, single submitter. Criteria: ICSL Variant Classification Criteria 13 December 2019. Collection method: clinical testing. Allele origin: germline.
Comment: This variant was observed as part of a predisposition screen in an ostensibly healthy population. A literature search was performed for the gene, cDNA change, and amino acid change (where applicable). Publications were found based on this search. The evidence from the literature, in combination with allele frequency data from public databases where available, was sufficient to rule this variant out of causing disease. Therefore, this variant is classified as benign.

Eurofins Ntd Llc (ga)
Classification: Uncertain significance. Last evaluated: 2013-05-02. Review status: criteria provided, single submitter. Criteria: EGL Classification Definitions 2015. Collection method: clinical testing. Allele origin: germline. Observed: 1 variant allele, 1 heterozygote.

Natera, Inc.
Classification: Benign for Alpha-mannosidosis. Last evaluated: 2019-12-30. Review status: no assertion criteria provided. Collection method: clinical testing. Allele origin: germline. Not counted in ClinVar's aggregate classification.

Mayo Clinic Laboratories, Mayo Clinic
Classification: Likely benign. Last evaluated: 2017-04-12. Review status: no assertion criteria provided. Collection method: clinical testing. Allele origin: unknown. Not counted in ClinVar's aggregate classification.

Clinical Genetics DNA and cytogenetics Diagnostics Lab, Erasmus MC, Erasmus Medical Center
Classification: Likely benign. Review status: no assertion criteria provided. Collection method: clinical testing. Allele origin: germline. Affected: yes. Study: VKGL Data-share Consensus. Not counted in ClinVar's aggregate classification.

Clinical Genetics, Academic Medical Center
Classification: Benign. Review status: no assertion criteria provided. Collection method: clinical testing. Allele origin: germline. Affected: yes. Study: VKGL Data-share Consensus. Not counted in ClinVar's aggregate classification.

Genome Diagnostics Laboratory, University Medical Center Utrecht
Classification: Likely benign. Review status: no assertion criteria provided. Collection method: clinical testing. Allele origin: germline. Affected: yes. Study: VKGL Data-share Consensus. Not counted in ClinVar's aggregate classification.

Literature cited by the submitters: PubMed 22161967 (cited by Illumina Laboratory Services, Illumina).